The following is an entry in ClinVar:

ClinVar aggregate classification (germline): Pathogenic (1 of 4 stars; one submission).

Conditions:
Glucose-6-phosphate transport defect (GSD1B). Also called: Glycogen Storage Disease Type Ib; GSD Ib. Identifiers: Orphanet 364, Orphanet 79259, MedGen C0268146, MONDO:0009288, OMIM 232220.

Submission:

Labcorp Genetics (formerly Invitae), Labcorp
Classification: Pathogenic for Glucose-6-phosphate transport defect. Last evaluated: 2023-04-24. Review status: criteria provided, single submitter. Criteria: Invitae Variant Classification Sherloc (09022015). Collection method: clinical testing. Allele origin: germline.
Comment: This variant has not been reported in the literature in individuals affected with SLC37A4-related conditions. For these reasons, this variant has been classified as Pathogenic. This variant is not present in population databases (gnomAD no frequency). This sequence change creates a premature translational stop signal (p.Phe94Leufs*52) in the SLC37A4 gene. It is expected to result in an absent or disrupted protein product. Loss-of-function variants in SLC37A4 are known to be pathogenic (PMID: 9758626, 10940311).

Literature cited by the submitters: PubMed 9758626; PubMed 10940311.

NM_001164277.2(SLC37A4):c.279del (p.Phe94fs)

Gene: SLC37A4 (solute carrier family 37 member 4; minus strand). Cytogenetic location: 11q23.3.
Variant type: Deletion.
Coding change: c.279del on transcript NM_001164277.2 (MANE Select); coding-DNA position 279, one base deleted (C; older notation c.279delC).
Protein change: p.Phe94fs; shifts the reading frame from phenylalanine 94.
Molecular consequence: frameshift variant.
Genome position (GRCh38, 1-based): chr11:119,028,296, G deleted on the plus strand (C on the coding strand, the reverse complement: SLC37A4 is on the minus strand). VCF-style (leftmost placement, unchanged base first): chr11-119028295-AG-A. GRCh37 (hg19) VCF-style: chr11-118899005-AG-A.
Other names: c.279del, p.Phe94fs (NM_001164278.2, NM_001164280.2, NM_001467.6); c.60del, p.Phe21fs (NM_001164279.2); short protein forms F94fs, F21fs.
Identifiers: ClinVar variation 2894393 (VCV002894393.3), dbSNP rs2497032747, ClinGen allele CA2739271748.